The following is an entry in ClinVar:

NM_001040108.2(MLH3):c.683T>G (p.Phe228Cys)

Gene: MLH3 (mutL homolog 3; minus strand). Cytogenetic location: 14q24.3.
Variant type: single nucleotide variant.
Coding change: c.683T>G on transcript NM_001040108.2 (MANE Select); coding-DNA position 683, T replaced by G.
Protein change: p.Phe228Cys; replaces phenylalanine 228 with cysteine.
Molecular consequence: missense variant.
Genome position (GRCh38, 1-based): chr14:75,048,973, A>C on the plus strand (T>G on the coding strand, the complement: MLH3 is on the minus strand). VCF-style: chr14-75048973-A-C. GRCh37 (hg19) VCF-style: chr14-75515676-A-C.
Other names: c.683T>G, p.Phe228Cys (NM_014381.3); short protein forms F228C.
Identifiers: ClinVar variation 1755732 (VCV001755732.5), dbSNP rs2503320189, ClinGen allele CA390449621.

ClinVar aggregate classification (germline): Uncertain significance. Review status: criteria provided, multiple submitters, no conflicts (2 of 4 stars). 2 submissions from 2 submitters: Uncertain significance (2). Last evaluated 2023-03-13.

Conditions:
Colorectal cancer, hereditary nonpolyposis, type 7. Identifiers: Orphanet 144, MedGen C1858380, MONDO:0013725, OMIM 614385.

gnomAD v4.1: 6 of 1,613,692 alleles (0.00037%); highest among the groups gnomAD compares: Non-Finnish European, 0.00051%; no homozygotes.

Submissions (2):

Labcorp Genetics (formerly Invitae), Labcorp
Classification: Uncertain significance for Colorectal cancer, hereditary nonpolyposis, type 7. Last evaluated: 2023-03-13. Review status: criteria provided, single submitter. Criteria: Invitae Variant Classification Sherloc (09022015). Collection method: clinical testing. Allele origin: germline.
Comment: In summary, the available evidence is currently insufficient to determine the role of this variant in disease. Therefore, it has been classified as a Variant of Uncertain Significance. An algorithm developed to predict the effect of missense changes on protein structure and function (PolyPhen-2) suggests that this variant is likely to be tolerated. ClinVar contains an entry for this variant (Variation ID: 1755732). This variant has not been reported in the literature in individuals affected with MLH3-related conditions. This variant is not present in population databases (gnomAD no frequency). This sequence change replaces phenylalanine, which is neutral and non-polar, with cysteine, which is neutral and slightly polar, at codon 228 of the MLH3 protein (p.Phe228Cys).

Ambry Genetics
Classification: Uncertain significance. Last evaluated: 2022-08-07. Review status: criteria provided, single submitter. Criteria: Ambry Variant Classification Scheme 2023. Collection method: clinical testing. Allele origin: germline.
Comment: The p.F228C variant (also known as c.683T>G), located in coding exon 1 of the MLH3 gene, results from a T to G substitution at nucleotide position 683. The phenylalanine at codon 228 is replaced by cysteine, an amino acid with highly dissimilar properties. This amino acid position is conserved. In addition, this alteration is predicted to be tolerated by in silico analysis. Since supporting evidence is limited at this time, the clinical significance of this alteration remains unclear.